The following is an entry in ClinVar:

ClinVar aggregate classification (germline): Uncertain significance (1 of 4 stars; one submission).

Conditions:
Inborn genetic diseases. Identifiers: MedGen C0950123, MeSH D030342.

Submission:

Ambry Genetics
Classification: Uncertain significance for Inborn genetic diseases. Last evaluated: 2025-10-03. Review status: criteria provided, single submitter. Criteria: Ambry Variant Classification Scheme 2023. Collection method: clinical testing. Allele origin: germline.
Comment: The p.V223M variant (also known as c.667G>A), located in coding exon 6 of the HAX1 gene, results from a G to A substitution at nucleotide position 667. The valine at codon 223 is replaced by methionine, an amino acid with highly similar properties. This amino acid position is conserved. In addition, the in silico prediction for this alteration is inconclusive. Based on the available evidence, the clinical significance of this variant remains unclear.

NM_006118.4(HAX1):c.667G>A (p.Val223Met)

Gene: HAX1 (HCLS1 associated protein X-1; plus strand). Cytogenetic location: 1q21.3.
Variant type: single nucleotide variant.
Coding change: c.667G>A on transcript NM_006118.4 (MANE Select); coding-DNA position 667, G replaced by A.
Protein change: p.Val223Met; replaces valine 223 with methionine.
Molecular consequence: missense variant.
Genome position (GRCh38, 1-based): chr1:154,275,396, G>A. VCF-style: chr1-154275396-G-A. GRCh37 (hg19) VCF-style: chr1-154247872-G-A.
Other names: c.523G>A, p.Val175Met (NM_001018837.2); short protein forms V175M, V223M.
Identifiers: ClinVar variation 4621328 (VCV004621328.1).